The following is an entry in ClinVar:

NM_033004.4(NLRP1):c.3756G>A (p.Leu1252=)

Gene: NLRP1 (NLR family pyrin domain containing 1; minus strand). Cytogenetic location: 17p13.2.
Variant type: single nucleotide variant.
Coding change: c.3756G>A on transcript NM_033004.4 (MANE Select); coding-DNA position 3756, G replaced by A.
Protein change: p.Leu1252=; no amino-acid change (leucine 1252 retained).
Molecular consequence: synonymous variant.
Genome position (GRCh38, 1-based): chr17:5,521,551, C>T on the plus strand (G>A on the coding strand, the complement: NLRP1 is on the minus strand). VCF-style: chr17-5521551-C-T. GRCh37 (hg19) VCF-style: chr17-5424871-C-T.
Other names: c.3768G>A, p.Leu1256= (NM_001033053.3); c.3756G>A, p.Leu1252= (NM_014922.5); c.3666G>A, p.Leu1222= (NM_033006.4, NM_033007.4).
Identifiers: ClinVar variation 2647300 (VCV002647300.24), dbSNP rs2507731914, ClinGen allele CA497685824.

ClinVar aggregate classification (germline): Likely benign (1 of 4 stars; one submission).

Submission:

CeGaT Center for Human Genetics Tuebingen
Classification: Likely benign. Last evaluated: 2022-07-01. Review status: criteria provided, single submitter. Criteria: CeGaT Center For Human Genetics Tuebingen Variant Classification Criteria Version 2. Collection method: clinical testing. Allele origin: germline. Affected: yes. Observed: 1 variant allele.
Comment: NLRP1: PM2:Supporting, BP4, BP7